The following is an entry in ClinVar:

NM_177438.3(DICER1):c.4912G>A (p.Glu1638Lys)

Gene: DICER1 (dicer 1, ribonuclease III; minus strand). Cytogenetic location: 14q32.13.
Variant type: single nucleotide variant.
Coding change: c.4912G>A on transcript NM_177438.3 (MANE Select); coding-DNA position 4912, G replaced by A.
Protein change: p.Glu1638Lys; replaces glutamic acid 1638 with lysine.
Molecular consequence: missense variant.
Genome position (GRCh38, 1-based): chr14:95,096,008, C>T on the plus strand (G>A on the coding strand, the complement: DICER1 is on the minus strand). VCF-style: chr14-95096008-C-T. GRCh37 (hg19) VCF-style: chr14-95562345-C-T.
Other names: c.4912G>A, p.Glu1638Lys (NM_001195573.1, NM_001271282.3, NM_001291628.2 and 1 more transcripts); short protein forms E1638K.
Identifiers: ClinVar variation 1002806 (VCV001002806.10), dbSNP rs1890283124, ClinGen allele CA390866332.
Genomic context (GRCh38, chr14:95,096,008, plus strand): 5'-TTTTATCTGCATCTGGATGATCAAACATACATCTTGGTGGAATCTTCAAACAACCATATT[C>T]CGAGTCTTTCAATACAGAAGAGCGTGAACTGGCCACAGAAGCAGCAGCACAGCTCACTGA-3'
Protein context (NP_803187.1, residues 1628-1648): SSRSSVLKDS[Glu1638Lys]YGCLKIPPRC

ClinVar aggregate classification (germline): Uncertain significance (1 of 4 stars; one submission).

Conditions:
DICER1-related tumor predisposition. Also called: DICER1 syndrome; DICER1-related pleuropulmonary blastoma cancer predisposition syndrome. Identifiers: Orphanet 284343, MedGen C3839822, MONDO:0100216.

Submission:

Labcorp Genetics (formerly Invitae), Labcorp
Classification: Uncertain significance for DICER1-related tumor predisposition. Last evaluated: 2020-01-11. Review status: criteria provided, single submitter. Criteria: Invitae Variant Classification Sherloc (09022015). Collection method: clinical testing. Allele origin: germline.
Comment: In summary, the available evidence is currently insufficient to determine the role of this variant in disease. Therefore, it has been classified as a Variant of Uncertain Significance. Algorithms developed to predict the effect of missense changes on protein structure and function (SIFT, PolyPhen-2, Align-GVGD) all suggest that this variant is likely to be tolerated, but these predictions have not been confirmed by published functional studies and their clinical significance is uncertain. This variant has not been reported in the literature in individuals with DICER1-related conditions. This variant is not present in population databases (ExAC no frequency). This sequence change replaces glutamic acid with lysine at codon 1638 of the DICER1 protein (p.Glu1638Lys). The glutamic acid residue is moderately conserved and there is a small physicochemical difference between glutamic acid and lysine.